The following is an entry in ClinVar:

Conditions:
Long QT syndrome 5 (LQT5). Identifiers: Orphanet 101016, Orphanet 768, MedGen C1867904, MONDO:0013372, OMIM 613695.

Submission:

Roden Lab, Vanderbilt University Medical Center
No classification provided (evidence only). Condition: Long QT syndrome 5. Review status: no classification provided. Collection method: in vitro. Allele origin: not applicable. Functional consequence: Effect on ion channel function.
ClinVar note: "not provided" was previously submitted as the classification for the variant. However, the classification appeared to be based only on an observation of functional data so it was converted to no classification on 2025-07-30.

NM_000219.6(KCNE1):c.87C>A (p.Gly29=)

Gene: KCNE1 (potassium voltage-gated channel subfamily E regulatory subunit 1; minus strand). Cytogenetic location: 21q22.12.
Variant type: single nucleotide variant.
Coding change: c.87C>A on transcript NM_000219.6 (MANE Select); coding-DNA position 87, C replaced by A.
Protein change: p.Gly29=; no amino-acid change (glycine 29 retained).
Molecular consequence: synonymous variant.
Genome position (GRCh38, 1-based): chr21:34,449,548, G>T on the plus strand (C>A on the coding strand, the complement: KCNE1 is on the minus strand). VCF-style: chr21-34449548-G-T. GRCh37 (hg19) VCF-style: chr21-35821846-G-T.
Other names: c.87C>A, p.Gly29= (NM_001127668.4, NM_001127669.4, NM_001127670.4 and 4 more transcripts).
Identifiers: ClinVar variation 3374010 (VCV003374010.2).